The following is an entry in ClinVar:

ClinVar aggregate classification (germline): Uncertain significance (1 of 4 stars; one submission).

Conditions:
PLXNA3-related disorder. Also called: PLXNA3-related condition.

gnomAD v4.1: 15 of 1,206,891 alleles (0.0012%); highest among the groups gnomAD compares: Non-Finnish European, 0.0015%; no homozygotes.

Submission:

PreventionGenetics, part of Exact Sciences
Classification: Uncertain significance for PLXNA3-related condition. Last evaluated: 2026-02-24. Review status: criteria provided, single submitter. Criteria: ACMG Guidelines, 2015. Collection method: clinical testing. Allele origin: germline.
Comment: The PLXNA3 c.50C>G variant is predicted to result in the amino acid substitution p.Ala17Gly. To our knowledge, this variant has not been reported in the literature or in a large population database, indicating this variant is rare. At this time, the clinical significance of this variant is uncertain due to the absence of conclusive functional and genetic evidence.

NM_017514.5(PLXNA3):c.50C>G (p.Ala17Gly)

Gene: PLXNA3 (plexin A3; plus strand). Cytogenetic location: Xq28.
Variant type: single nucleotide variant.
Coding change: c.50C>G on transcript NM_017514.5 (MANE Select); coding-DNA position 50, C replaced by G.
Protein change: p.Ala17Gly; replaces alanine 17 with glycine.
Molecular consequence: missense variant.
Genome position (GRCh38, 1-based): chrX:154,460,233, C>G. VCF-style: chrX-154460233-C-G. GRCh37 (hg19) VCF-style: chrX-153688573-C-G.
Other names: short protein forms A17G.
Identifiers: ClinVar variation 4989005 (VCV004989005.1).